The following is an entry in ClinVar:

NM_002857.4(PEX19):c.19G>A (p.Gly7Ser)

Gene: PEX19 (peroxisomal biogenesis factor 19; minus strand). Cytogenetic location: 1q23.2.
Variant type: single nucleotide variant.
Coding change: c.19G>A on transcript NM_002857.4 (MANE Select); coding-DNA position 19, G replaced by A.
Protein change: p.Gly7Ser; replaces glycine 7 with serine.
Molecular consequence: missense variant. On other transcripts: non-coding transcript variant (2).
Genome position (GRCh38, 1-based): chr1:160,285,106, C>T on the plus strand (G>A on the coding strand, the complement: PEX19 is on the minus strand). VCF-style: chr1-160285106-C-T. GRCh37 (hg19) VCF-style: chr1-160254896-C-T.
Other names: c.19G>A, p.Gly7Ser (NM_001193644.1); short protein forms G7S.
Identifiers: ClinVar variation 1371042 (VCV001371042.5), dbSNP rs963164666, ClinGen allele CA31528334.

ClinVar aggregate classification (germline): Uncertain significance (1 of 4 stars; one submission).

Conditions:
Peroxisome biogenesis disorder 12A (Zellweger). Also called: Peroxisome biogenesis disorder 12A. Identifiers: Orphanet 912, MedGen C3554002, MONDO:0013951, OMIM 614886.

Allele frequency attached by ClinVar (database versions not stated): TOPMed 0.00001.

Submission:

Labcorp Genetics (formerly Invitae), Labcorp
Classification: Uncertain significance for Peroxisome biogenesis disorder 12A (Zellweger). Last evaluated: 2022-06-20. Review status: criteria provided, single submitter. Criteria: Invitae Variant Classification Sherloc (09022015). Collection method: clinical testing. Allele origin: germline.
Comment: This sequence change replaces glycine, which is neutral and non-polar, with serine, which is neutral and polar, at codon 7 of the PEX19 protein (p.Gly7Ser). This variant is not present in population databases (gnomAD no frequency). This variant has not been reported in the literature in individuals affected with PEX19-related conditions. Algorithms developed to predict the effect of missense changes on protein structure and function (SIFT, PolyPhen-2, Align-GVGD) all suggest that this variant is likely to be tolerated. In summary, the available evidence is currently insufficient to determine the role of this variant in disease. Therefore, it has been classified as a Variant of Uncertain Significance.